The following is an entry in ClinVar:

ClinVar aggregate classification (germline): Benign/Likely benign. Review status: criteria provided, multiple submitters, no conflicts (2 of 4 stars). 14 submissions from 13 submitters: Benign (8); Likely benign (2). 4 of the submissions do not count toward it. Last evaluated 2026-05-04.

Conditions:
Colorectal cancer, hereditary nonpolyposis, type 7. Identifiers: Orphanet 144, MedGen C1858380, MONDO:0013725, OMIM 614385.
Endometrial carcinoma. Also called: Endometrial carcinoma, somatic. Identifiers: MedGen C0476089, MONDO:0002447, OMIM 608089, HP:0012114.
Colorectal cancer. Also called: Malignant Colorectal Neoplasm; Colorectal cancer, somatic. Identifiers: MedGen C0346629, MONDO:0005575, OMIM 114500.
MLH3-related disorder. Also called: MLH3-related condition.

Allele frequency attached by ClinVar (database versions not stated): gnomAD exomes 0.00711 and 0.00265; ExAC 0.00880; ESP Exome Variant Server 0.03237; gnomAD 0.02764 and 0.02978; 1000 Genomes Project 30x 0.02858; 1000 Genomes Project 0.02676; TOPMed 0.03177.
gnomAD v4.1: 8,204 of 1,614,094 alleles (0.51%); highest among the groups gnomAD compares: African/African-American, 9.8%; 386 homozygotes.

Submissions (14):

Myriad Genetics, Inc.
Classification: Benign for Colorectal cancer, hereditary nonpolyposis, type 7. Last evaluated: 2026-05-04. Review status: criteria provided, single submitter. Criteria: Myriad Autosomal Dominant, Autosomal Recessive and X-Linked Classification Criteria (2023). Collection method: clinical testing. Allele origin: unknown.
Comment: This variant is considered benign. This variant has been observed at a population frequency that is significantly greater than expected given the associated disease prevalence and penetrance.

Labcorp Genetics (formerly Invitae), Labcorp
Classification: Benign for Colorectal cancer, hereditary nonpolyposis, type 7. Last evaluated: 2026-02-02. Review status: criteria provided, single submitter. Criteria: Invitae Variant Classification Sherloc (09022015). Collection method: clinical testing. Allele origin: germline.

Center for Genomic Medicine, Rigshospitalet, Copenhagen University Hospital
Classification: Benign. Last evaluated: 2025-03-04. Review status: criteria provided, single submitter. Criteria: ACMG Guidelines, 2015. Collection method: clinical testing. Allele origin: germline.

KCCC/NGS Laboratory, Kuwait Cancer Control Center
Classification: Benign for Endometrial carcinoma. Last evaluated: 2025-02-01. Review status: criteria provided, single submitter. Criteria: ACMG Guidelines, 2015. Collection method: clinical testing. Allele origin: germline. Affected: no.

KCCC/NGS Laboratory, Kuwait Cancer Control Center
Classification: Benign for Colorectal cancer, hereditary nonpolyposis, type 7. Last evaluated: 2023-07-07. Review status: criteria provided, single submitter. Criteria: ACMG Guidelines, 2015. Collection method: clinical testing. Allele origin: germline. Affected: yes.

Department of Pathology and Laboratory Medicine, Sinai Health System
Classification: Benign for Colorectal cancer; Endometrial carcinoma; Colorectal cancer, hereditary nonpolyposis, type 7. Last evaluated: 2021-05-31. Review status: criteria provided, single submitter. Criteria: ACMG Guidelines, 2015. Collection method: clinical testing. Allele origin: germline. Affected: yes.

Ambry Genetics
Classification: Benign. Last evaluated: 2020-07-30. Review status: criteria provided, single submitter. Criteria: Ambry Variant Classification Scheme 2023. Collection method: clinical testing. Allele origin: germline.

GeneDx
Classification: Benign. Last evaluated: 2018-06-23. Review status: criteria provided, single submitter. Criteria: GeneDx Variant Classification Process June 2021. Collection method: clinical testing. Allele origin: germline. Affected: yes.

Illumina Laboratory Services, Illumina
Classification: Likely benign for Colorectal cancer, hereditary nonpolyposis, type 7. Last evaluated: 2017-04-27. Review status: criteria provided, single submitter. Criteria: ICSL Variant Classification Criteria 13 December 2019. Collection method: clinical testing. Allele origin: germline.
Comment: This variant was observed as part of a predisposition screen in an ostensibly healthy population. A literature search was performed for the gene, cDNA change, and amino acid change (where applicable). Publications were found based on this search. The evidence from the literature, in combination with allele frequency data from public databases where available, was sufficient to determine this variant is unlikely to cause disease. Therefore, this variant is classified as likely benign.

Breakthrough Genomics
Classification: Likely benign. Review status: criteria provided, single submitter. Criteria: ACMG Guidelines, 2015. Collection method: not provided. Allele origin: germline. Inheritance: Autosomal dominant inheritance. Affected: yes.

PreventionGenetics, part of Exact Sciences
Classification: Benign for MLH3-related condition. Last evaluated: 2019-06-12. Review status: no assertion criteria provided. Collection method: clinical testing. Allele origin: germline. Not counted in ClinVar's aggregate classification.
Comment: This variant is classified as benign based on ACMG/AMP sequence variant interpretation guidelines (Richards et al. 2015 PMID: 25741868, with internal and published modifications).

Clinical Genetics, Academic Medical Center
Classification: Benign. Review status: no assertion criteria provided. Collection method: clinical testing. Allele origin: germline. Affected: yes. Study: VKGL Data-share Consensus. Not counted in ClinVar's aggregate classification.

Laboratory of Diagnostic Genome Analysis, Leiden University Medical Center (LUMC)
Classification: Benign. Review status: no assertion criteria provided. Collection method: clinical testing. Allele origin: germline. Affected: yes. Study: VKGL Data-share Consensus. Not counted in ClinVar's aggregate classification.

Mayo Clinic Laboratories, Mayo Clinic
Classification: Benign. Review status: no assertion criteria provided. Collection method: clinical testing. Allele origin: unknown. Not counted in ClinVar's aggregate classification.

Literature cited by the submitters: PubMed 16885347 (cited by Illumina Laboratory Services, Illumina).

NM_001040108.2(MLH3):c.2159A>G (p.Tyr720Cys)

Gene: MLH3 (mutL homolog 3; minus strand). Cytogenetic location: 14q24.3.
Variant type: single nucleotide variant.
Coding change: c.2159A>G on transcript NM_001040108.2 (MANE Select); coding-DNA position 2159, A replaced by G.
Protein change: p.Tyr720Cys; replaces tyrosine 720 with cysteine.
Molecular consequence: missense variant.
Genome position (GRCh38, 1-based): chr14:75,047,497, T>C on the plus strand (A>G on the coding strand, the complement: MLH3 is on the minus strand). VCF-style: chr14-75047497-T-C. GRCh37 (hg19) VCF-style: chr14-75514200-T-C.
Other names: c.2159A>G, p.Tyr720Cys (NM_014381.3); short protein forms Y720C.
Identifiers: ClinVar variation 314386 (VCV000314386.40), dbSNP rs28756988, ClinGen allele CA7275749.
Genomic context (GRCh38, chr14:75,047,497, plus strand): 5'-ATTGGTTTGGAGAAACCAATTAATTTATCTGTTTTCCTACTATCATTGGAAACGTGTCTA[T>C]ACCAGGGGAAAGAGGGGGATGTATCAGATAATATGCAATCTGTTTGTGATTTTTTGCTAC-3'
Protein context (NP_001035197.1, residues 710-730): LSDTSPSFPW[Tyr720Cys]RHVSNDSRKT